The following is an entry in ClinVar:

NM_014363.6(SACS):c.4724G>A (p.Arg1575Gln)

Gene: SACS (sacsin molecular chaperone; minus strand). Cytogenetic location: 13q12.12.
Variant type: single nucleotide variant.
Coding change: c.4724G>A on transcript NM_014363.6 (MANE Select); coding-DNA position 4724, G replaced by A.
Protein change: p.Arg1575Gln; replaces arginine 1575 with glutamine.
Molecular consequence: missense variant.
Genome position (GRCh38, 1-based): chr13:23,339,152, C>T on the plus strand (G>A on the coding strand, the complement: SACS is on the minus strand). VCF-style: chr13-23339152-C-T. GRCh37 (hg19) VCF-style: chr13-23913291-C-T.
Other names: c.4283G>A, p.Arg1428Gln (NM_001278055.2); c.4724G>A (NM_014363.4); short protein forms R1575Q, R1428Q.
Identifiers: ClinVar variation 930257 (VCV000930257.9), dbSNP rs764992284, ClinGen allele CA6911352.

ClinVar aggregate classification (germline): Conflicting classifications of pathogenicity. Review status: criteria provided, conflicting classifications (1 of 4 stars). 4 submissions from 4 submitters: Uncertain significance (3); Likely benign (1). Last evaluated 2025-12-23.

Conditions:
Inborn genetic diseases. Identifiers: MedGen C0950123, MeSH D030342.
Spastic paraplegia. Identifiers: MedGen C0037772, HP:0001258.
Charlevoix-Saguenay spastic ataxia (SACS). Also called: SPASTIC ATAXIA 6, AUTOSOMAL RECESSIVE; AUTOSOMAL RECESSIVE SPASTIC ATAXIA OF CHARLEVOIX-SAGUENAY; Spastic ataxia of Charlevoix-Saguenay. Identifiers: Orphanet 98, MedGen C1849140, MONDO:0010041, OMIM 270550.

Allele frequency attached by ClinVar (database versions not stated): ExAC 0.00001; gnomAD exomes 0.00001; TOPMed 0.00003; gnomAD 0.00004.
gnomAD v4.1: 64 of 1,611,564 alleles (0.004%); highest among the groups gnomAD compares: African/African-American, 0.012%; no homozygotes.

Submissions (4):

Labcorp Genetics (formerly Invitae), Labcorp
Classification: Likely benign for Spastic paraplegia. Last evaluated: 2025-12-23. Review status: criteria provided, single submitter. Criteria: Invitae Variant Classification Sherloc (09022015). Collection method: clinical testing. Allele origin: germline.

Athena Diagnostics
Classification: Uncertain significance. Last evaluated: 2023-08-23. Review status: criteria provided, single submitter. Criteria: Athena Diagnostics Criteria. Collection method: clinical testing. Allele origin: unknown.
Comment: Available data are insufficient to determine the clinical significance of the variant at this time. The frequency of this variant in the general population is uninformative in assessment of its pathogenicity. Computational tools predict that this variant is damaging.

Ambry Genetics
Classification: Uncertain significance for Inborn genetic diseases. Last evaluated: 2022-11-17. Review status: criteria provided, single submitter. Criteria: Ambry Variant Classification Scheme 2023. Collection method: clinical testing. Allele origin: germline.

Centre for Mendelian Genomics, University Medical Centre Ljubljana
Classification: Uncertain significance for Charlevoix-Saguenay spastic ataxia. Last evaluated: 2018-10-31. Review status: criteria provided, single submitter. Criteria: ACMG Guidelines, 2015. Collection method: clinical testing. Allele origin: unknown. Affected: yes.
Comment: This variant was classified as: Uncertain significance. The available evidence on this variant's pathogenicity is insufficient or conflicting. The following ACMG criteria were applied in classifying this variant: PM2.